The following is an entry in ClinVar:

ClinVar aggregate classification (germline): Likely benign. Review status: criteria provided, multiple submitters, no conflicts (2 of 4 stars). 3 submissions from 3 submitters: Likely benign (2). 1 of the submissions does not count toward it. Last evaluated 2025-06-20.

Conditions:
WDR72-related disorder. Also called: WDR72-related condition.
Amelogenesis imperfecta hypomaturation type 2A3. Also called: Amelogenesis imperfecta, type IIA3. Identifiers: Orphanet 88661, MedGen C2750771, MONDO:0013181, OMIM 613211. Disease mechanism: loss of function.

Allele frequency attached by ClinVar (database versions not stated): gnomAD exomes 0.00093 and 0.00225; ExAC 0.00268; 1000 Genomes Project 0.00819; 1000 Genomes Project 30x 0.00906; gnomAD 0.00941 and 0.01023; TOPMed 0.01042; ESP Exome Variant Server 0.01141.
gnomAD v4.1: 2,848 of 1,614,100 alleles (0.18%); highest among the groups gnomAD compares: African/African-American, 3.4%; 59 homozygotes.

Submissions (3):

Mayo Clinic Laboratories, Mayo Clinic
Classification: Likely benign. Last evaluated: 2025-06-20. Review status: criteria provided, single submitter. Criteria: ACMG Guidelines, 2015. Collection method: clinical testing. Allele origin: germline. Observed: 1 variant allele.
Comment: BS1, BP4_moderate

Illumina Laboratory Services, Illumina
Classification: Likely benign for Amelogenesis imperfecta hypomaturation type 2A3. Last evaluated: 2018-01-12. Review status: criteria provided, single submitter. Criteria: ICSL Variant Classification Criteria 13 December 2019. Collection method: clinical testing. Allele origin: germline.
Comment: This variant was observed in the ICSL laboratory as part of a predisposition screen in an ostensibly healthy population. It had not been previously curated by ICSL or reported in the Human Gene Mutation Database (HGMD: prior to June 1st, 2018), and was therefore a candidate for classification through an automated scoring system. Utilizing variant allele frequency, disease prevalence and penetrance estimates, and inheritance mode, an automated score was calculated to assess if this variant is too frequent to cause the disease. Based on the score and internal cut-off values, a variant classified as likely benign is not then subjected to further curation. The score for this variant resulted in a classification of likely benign for this disease.

PreventionGenetics, part of Exact Sciences
Classification: Benign for WDR72-related condition. Last evaluated: 2019-05-07. Review status: no assertion criteria provided. Collection method: clinical testing. Allele origin: germline. Not counted in ClinVar's aggregate classification.
Comment: This variant is classified as benign based on ACMG/AMP sequence variant interpretation guidelines (Richards et al. 2015 PMID: 25741868, with internal and published modifications).

NM_182758.4(WDR72):c.1437A>C (p.Gln479His)

Gene: WDR72 (WD repeat domain 72; minus strand). Cytogenetic location: 15q21.3.
Variant type: single nucleotide variant.
Coding change: c.1437A>C on transcript NM_182758.4 (MANE Select); coding-DNA position 1437, A replaced by C.
Protein change: p.Gln479His; replaces glutamine 479 with histidine.
Molecular consequence: missense variant. On other transcripts: non-coding transcript variant (1).
Genome position (GRCh38, 1-based): chr15:53,702,266, T>G on the plus strand (A>C on the coding strand, the complement: WDR72 is on the minus strand). VCF-style: chr15-53702266-T-G. GRCh37 (hg19) VCF-style: chr15-53994463-T-G.
Other names: short protein forms Q479H.
Identifiers: ClinVar variation 316595 (VCV000316595.8), dbSNP rs34123953, ClinGen allele CA7571130.